The following is an entry in ClinVar:

ClinVar aggregate classification (germline): Likely pathogenic (1 of 4 stars; one submission).

Allele frequency attached by ClinVar (database versions not stated): gnomAD exomes below 0.00001; TOPMed below 0.00001.
gnomAD v4.1: 2 of 1,613,828 alleles (0.00012%); highest among the groups gnomAD compares: Non-Finnish European, 0.000085%; no homozygotes.

Submission:

Labcorp Genetics (formerly Invitae), Labcorp
Classification: Likely pathogenic. Last evaluated: 2024-11-12. Review status: criteria provided, single submitter. Criteria: Invitae Variant Classification Sherloc (09022015). Collection method: clinical testing. Allele origin: germline.
Comment: This sequence change affects an acceptor splice site in intron 4 of the IFT43 gene. It is expected to disrupt RNA splicing. Variants that disrupt the donor or acceptor splice site typically lead to a loss of protein function (PMID: 16199547), and loss-of-function variants in IFT43 are known to be pathogenic (PMID: 21378380, 28400947). This variant is not present in population databases (gnomAD no frequency). This variant has not been reported in the literature in individuals affected with IFT43-related conditions. ClinVar contains an entry for this variant (Variation ID: 2695673). Algorithms developed to predict the effect of sequence changes on RNA splicing suggest that this variant may disrupt the consensus splice site. In summary, the currently available evidence indicates that the variant is pathogenic, but additional data are needed to prove that conclusively. Therefore, this variant has been classified as Likely Pathogenic.

Literature cited by the submitters: PubMed 16199547; PubMed 21378380; PubMed 28400947.

NM_001102564.3(IFT43):c.296-1G>C

Gene: IFT43 (intraflagellar transport 43; plus strand). Cytogenetic location: 14q24.3.
Variant type: single nucleotide variant.
Coding change: c.296-1G>C on transcript NM_001102564.3 (MANE Select); the canonical splice acceptor site of the intron before coding-DNA position 296, G replaced by C.
Molecular consequence: splice acceptor variant.
Genome position (GRCh38, 1-based): chr14:76,082,294, G>C. VCF-style: chr14-76082294-G-C. GRCh37 (hg19) VCF-style: chr14-76548637-G-C.
Other names: c.311-1G>C (NM_052873.3).
Identifiers: ClinVar variation 2695673 (VCV002695673.3), dbSNP rs2037525325, ClinGen allele CA390473750.
Genomic context (GRCh38, chr14:76,082,294, plus strand): 5'-GAGAAGCAGGCACAATCCCTATGAGTTCTGCAGACAGTGTTGCCTCTGCCTCTCCTTGCA[G>C]ATATTCCTATCATTCCGGATCTGGAGGAAGTACAGGAAGAAGACTTTGTTTTGCAGGTGG-3'